The following is an entry in ClinVar:

ClinVar aggregate classification (germline): Conflicting classifications of pathogenicity. Review status: criteria provided, conflicting classifications (1 of 4 stars). 18 submissions from 18 submitters: Uncertain significance (3); Benign (5); Likely benign (5). 5 of the submissions do not count toward it. Last evaluated 2026-01-14.

Conditions:
BRCA1-related disorder. Also called: BRCA1-related condition.
Breast and/or ovarian cancer. Identifiers: MedGen CN221562.
Hereditary cancer-predisposing syndrome. Also called: Tumor predisposition; Neoplastic Syndromes, Hereditary; Hereditary Cancer Syndrome; Hereditary neoplastic syndrome. Identifiers: Orphanet 140162, MedGen C0027672, MeSH D009386, MONDO:0015356.
Hereditary breast ovarian cancer syndrome. Also called: Hereditary breast and ovarian cancer syndrome (HBOC); Hereditary breast and ovarian cancer syndrome; Hereditary breast and ovarian cancer; Hereditary breast and/or ovarian cancer syndrome; Breast and ovarian cancer; BRCA1- and BRCA2-Associated Hereditary Breast and Ovarian Cancer. Identifiers: Orphanet 145, MedGen C0677776, MeSH D061325, MONDO:0003582. Disease mechanism: loss of function.
Breast-ovarian cancer, familial, susceptibility to, 1 (BROVCA1). Also called: OVARIAN CANCER, SUSCEPTIBILITY TO; BRCA1 Hereditary Breast and Ovarian Cancer. Identifiers: Orphanet 145, MedGen C2676676, MONDO:0011450, OMIM 604370. Disease mechanism: loss of function.
Malignant tumor of breast. Also called: Malignant breast neoplasm; Cancer breast. Identifiers: MedGen C0006142, MONDO:0007254. Disease mechanism: loss of function.

Allele frequency attached by ClinVar (database versions not stated): gnomAD exomes 0.00004 and 0.00007; ExAC 0.00007; ESP Exome Variant Server 0.00023; gnomAD 0.00027 and 0.00029; 1000 Genomes Project 30x 0.00031; 1000 Genomes Project 0.00040; TOPMed 0.00046.
gnomAD v4.1: 113 of 1,613,726 alleles (0.007%); highest among the groups gnomAD compares: African/African-American, 0.13%; no homozygotes.

Submissions 1 to 13 of 18:

Labcorp Genetics (formerly Invitae), Labcorp
Classification: Benign for Hereditary breast ovarian cancer syndrome. Last evaluated: 2026-01-14. Review status: criteria provided, single submitter. Criteria: Invitae Variant Classification Sherloc (09022015). Collection method: clinical testing. Allele origin: germline.

ARUP Laboratories, Molecular Genetics and Genomics, ARUP Laboratories
Classification: Benign. Last evaluated: 2025-07-16. Review status: criteria provided, single submitter. Criteria: ARUP Molecular Germline Variant Investigation Process 2024. Collection method: clinical testing. Allele origin: germline.

Blueprint Genetics
Classification: Likely benign. Last evaluated: 2024-10-23. Review status: criteria provided, single submitter. Criteria: ACMG Guidelines, 2015. Collection method: clinical testing. Allele origin: germline.

Quest Diagnostics Nichols Institute San Juan Capistrano
Classification: Benign. Last evaluated: 2023-08-17. Review status: criteria provided, single submitter. Criteria: Quest Diagnostics criteria. Collection method: clinical testing. Allele origin: unknown.

University of Washington Department of Laboratory Medicine, University of Washington
Classification: Likely benign for Hereditary cancer-predisposing syndrome. Last evaluated: 2023-03-23. Review status: criteria provided, single submitter. Criteria: Dines et al. (Genet Med. 2020). Collection method: curation. Allele origin: germline.
Comment: Missense variant in a coldspot region where missense variants are very unlikely to be pathogenic (PMID:31911673).

BRCA1 coldspot (exon 11 using historical exon numbering). Reclassification based on statistical prior probability

Genetic Services Laboratory, University of Chicago
Classification: Likely benign. Last evaluated: 2022-01-03. Review status: criteria provided, single submitter. Criteria: ACMG Guidelines, 2015. Collection method: clinical testing. Allele origin: germline. Affected: no.

Sema4
Classification: Uncertain significance for Hereditary cancer-predisposing syndrome. Last evaluated: 2021-11-30. Review status: criteria provided, single submitter. Criteria: Sema4 Curation Guidelines. Collection method: curation. Allele origin: germline.
Comment: The BRCA1 c.2368A>G (p.T790A) variant has been reported in heterozygosity in multiple individuals with breast and ovarian cancer without evidence of causality (PMID: 26287763, 23192404, 18284688, 15983021, 16267036, 30606148, 31341521). This variant is also reported to co-occur with pathogenic variants in BRCA1 or BRCA2 by other laboratories in ClinVar without phase and phenotypic information to independently evaluate (Variation ID: 37465). This variant was observed in 25/24960 chromosomes in the African/African American population, with no homozygotes, according to the Genome Aggregation Database (PMID: 32461654). Functional studies have not been performed, and in silico predictions of the variant's effect on protein function are inconclusive. The evidence is insufficient to meet ACMG/AMP criteria for classifying the variant as benign or pathogenic. Thus, the clinical significance of this variant is currently uncertain.

Laboratory for Molecular Medicine, Mass General Brigham Personalized Medicine
Classification: Uncertain significance. Last evaluated: 2021-10-01. Review status: criteria provided, single submitter. Criteria: ACMG Guidelines, 2015. Collection method: clinical testing. Allele origin: germline.
Comment: The p.Thr790Ala variant in BRCA1 has been reported in at >10 individuals with breast or ovarian cancer, the majority of which were Black or African-American (Haffty 2005 PMID: 15983021, Lee 2008 PMID: 18284688, Rummel 2013 PMID: 23192404, Pal 2015 PMID: 26287763, Cortes 2019 PMID: 31341521, Cotrim 2019 PMID: 30606148; Breast Cancer information Core (BIC)). It has also been identified in 0.1% (25/24960) of African or African-American chromosomes by gnomAD. This variant has been reported in ClinVar (Variation ID 37465). Computational prediction tools and conservation analyses suggest that this variant may not impact the protein, including the presence of Alanine (Ala) at this position in two mammals, though this information is not predictive enough to rule out pathogenicity. In summary, while the clinical significance of this variant is uncertain, these frequency and lack of conservation suggest that it is more likely to be benign. ACMG/AMP Criteria applied: PS4_Moderate, BP4, BS1_Supporting.

GeneDx
Classification: Likely benign. Last evaluated: 2020-09-08. Review status: criteria provided, single submitter. Criteria: GeneDx Variant Classification Process June 2021. Collection method: clinical testing. Allele origin: germline. Affected: yes.
Comment: This variant is associated with the following publications: (PMID: 15983021, 23192404, 16267036, 22875147, 18284688, 16518693, 31341521, 30606148)

Color Diagnostics, LLC DBA Color Health
Classification: Benign for Hereditary cancer-predisposing syndrome. Last evaluated: 2020-02-12. Review status: criteria provided, single submitter. Criteria: ACMG Guidelines, 2015. Collection method: clinical testing. Allele origin: germline.

Ambry Genetics
Classification: Likely benign for Hereditary cancer-predisposing syndrome. Last evaluated: 2019-03-05. Review status: criteria provided, single submitter. Criteria: Ambry Variant Classification Scheme 2023. Collection method: clinical testing. Allele origin: germline.

Women's Health and Genetics/Laboratory Corporation of America, LabCorp
Classification: Benign. Last evaluated: 2018-11-13. Review status: criteria provided, single submitter. Criteria: LabCorp Variant Classification Summary - May 2015. Collection method: clinical testing. Allele origin: germline.
Comment: Variant summary: BRCA1 c.2368A>G (p.Thr790Ala) results in a non-conservative amino acid change in the encoded protein sequence. Three of five in-silico tools predict a benign effect of the variant on protein function. The variant allele was found at a frequency of 9.9e-05 in 282008 control chromosomes, predominantly within the African subpopulation at a frequency of 0.001 in the gnomAD database. This frequency is about the same as expected for a pathogenic variant in BRCA1 causing Hereditary Breast and Ovarian Cancer (0.001 vs 0.001), suggesting a benign role for the variant. c.2368A>G has been reported in the literature in several individuals of African and/or African American ancestry affected with Hereditary Breast and Ovarian Cancer. Due to the similarity in the ethnicity between control chromosomes and published reports, these occurrences do not provide unequivocal conclusions about association of the variant with Hereditary Breast and Ovarian Cancer. Co-occurrences with other pathogenic BRCA1 variants have been reported in the UMD database (c.5324T>G (p.Met1775Arg) in one individual and c.1961dup (p.Tyr655valfsX18) in another), in addition, several co-occurrences with pathogenic BRCA2 variants have also been reported (in the BIC database: c.5946_5946delT (p.Ser1982fsX22) in one individual, and c.8948_8953+5delATTCAGGTAAG in two other individuals; and in LCA internal samples: c.2808delA (p.Lys936fsX24) in one individual and c.5351dupA (p.Asn1784fsX3) in another individual). These multiple co-occurrences strongly support a benign role for the variant. To our knowledge, no experimental evidence demonstrating an impact on protein function has been reported. Three other clinical diagnostic laboratories have submitted clinical-significance assessments for this variant to ClinVar after 2014 without evidence for independent evaluation, and classified the variant as Benign (1x) / Likely benign (2x). Based on the evidence outlined above, the variant was re-classified as benign.

Eurofins Ntd Llc (ga)
Classification: Uncertain significance. Last evaluated: 2015-04-07. Review status: criteria provided, single submitter. Criteria: EGL Classification Definitions 2015. Collection method: clinical testing. Allele origin: germline. Observed: 1 variant allele, 1 heterozygote.

NM_007294.4(BRCA1):c.2368A>G (p.Thr790Ala)

Gene: BRCA1 (BRCA1 DNA repair associated; minus strand). Cytogenetic location: 17q21.31.
Variant type: single nucleotide variant.
Coding change: c.2368A>G on transcript NM_007294.4 (MANE Select); coding-DNA position 2368, A replaced by G.
Protein change: p.Thr790Ala; replaces threonine 790 with alanine.
Molecular consequence: missense variant. On other transcripts: intron variant (137).
Genome position (GRCh38, 1-based): chr17:43,093,163, T>C on the plus strand (A>G on the coding strand, the complement: BRCA1 is on the minus strand). VCF-style: chr17-43093163-T-C. GRCh37 (hg19) VCF-style: chr17-41245180-T-C.
Other names: p.T790A:ACT>GCT; 2487A>G; c.2155A>G, p.Thr719Ala (NM_001407571.1, NM_001407853.1, NM_001407894.1 and 9 more transcripts); c.2368A>G, p.Thr790Ala (NM_001407581.1, NM_001407582.1, NM_001407583.1 and 30 more transcripts); c.2365A>G, p.Thr789Ala (NM_001407587.1, NM_001407590.1, NM_001407591.1 and 22 more transcripts); c.2359A>G, p.Thr787Ala (NM_001407646.1, NM_001407647.1); c.2245A>G, p.Thr749Ala (NM_001407648.1, NM_001407664.1, NM_001407665.1 and 19 more transcripts); c.2242A>G, p.Thr748Ala (NM_001407649.1, NM_001407670.1, NM_001407671.1 and 11 more transcripts); and 43 more; short protein forms T790A, T743A, T622A, T663A, T719A, T720A, T749A, T494A.
Identifiers: ClinVar variation 37465 (VCV000037465.43), dbSNP rs41286298, ClinGen allele CA001580.
Genomic context (GRCh38, chr17:43,093,163, plus strand): 5'-TTTCAAATGCTGCACACTGACTCACACATTTATTTGGTTCTGTTTTTGCCTTCCCTAGAG[T>C]GCTAACTTCCAGTAACGAGATACTTTCCTGAGTGCCATAATCAGTACCAGGTACCAATGA-3'
Protein context (NP_009225.1, residues 780-800): QESISLLEVS[Thr790Ala]LGKAKTEPNK